The following is an entry in ClinVar:

ClinVar aggregate classification (germline): Pathogenic (1 of 4 stars; one submission).

Submission:

Labcorp Genetics (formerly Invitae), Labcorp
Classification: Pathogenic. Last evaluated: 2024-02-15. Review status: criteria provided, single submitter. Criteria: Invitae Variant Classification Sherloc (09022015). Collection method: clinical testing. Allele origin: germline.
Comment: This sequence change creates a premature translational stop signal (p.Arg651Cysfs*52) in the CTNNA1 gene. It is expected to result in an absent or disrupted protein product. Loss-of-function variants in CTNNA1 are known to be pathogenic (PMID: 32051609, 34425242). This variant is not present in population databases (gnomAD no frequency). This variant has not been reported in the literature in individuals affected with CTNNA1-related conditions. For these reasons, this variant has been classified as Pathogenic.

Literature cited by the submitters: PubMed 32051609; PubMed 34425242.

NM_001903.5(CTNNA1):c.1947_1950dup (p.Arg651fs)

Gene: CTNNA1 (catenin alpha 1; plus strand). Cytogenetic location: 5q31.2.
Variant type: Duplication.
Coding change: c.1947_1950dup on transcript NM_001903.5 (MANE Select); coding-DNA positions 1947 to 1950, 4 bases duplicated (TGTC; older notation c.1947_1950dupTGTC).
Protein change: p.Arg651fs; shifts the reading frame from arginine 651.
Molecular consequence: frameshift variant.
Genome position (GRCh38, 1-based): chr5:138,929,293-138,929,296, TGTC duplicated. VCF-style (leftmost placement, unchanged base first): chr5-138929292-A-ATGTC. GRCh37 (hg19) VCF-style: chr5-138264981-A-ATGTC.
Other names: c.498_501dup, p.Arg168fs (NM_001324009.1, NM_001324010.1, NM_001324006.1 and 2 more transcripts); c.744_747dup, p.Arg250fs (NM_001324011.1); c.594_597dup, p.Arg200fs (NM_001324012.1, NM_001324013.1); c.1947_1950dup, p.Arg651fs (NM_001290307.3, NM_001323982.2, NM_001323983.1 and 2 more transcripts); c.1638_1641dup, p.Arg548fs (NM_001290309.3); c.1578_1581dup, p.Arg528fs (NM_001290310.3); c.837_840dup, p.Arg281fs (NM_001290312.1, NM_001323987.1, NM_001323988.1 and 17 more transcripts); c.1854_1857dup, p.Arg620fs (NM_001323986.2); short protein forms R168fs, R281fs, R528fs, R651fs, R548fs, R200fs, R250fs, R620fs.
Identifiers: ClinVar variation 3641068 (VCV003641068.2).